The following is an entry in ClinVar:

NM_004006.3(DMD):c.1504C>T (p.Gln502Ter)

Gene: DMD (dystrophin; minus strand). Cytogenetic location: Xp21.1.
Variant type: single nucleotide variant.
Coding change: c.1504C>T on transcript NM_004006.3 (MANE Select); coding-DNA position 1504, C replaced by T.
Protein change: p.Gln502Ter; replaces glutamine 502 with a stop codon.
Molecular consequence: nonsense.
Genome position (GRCh38, 1-based): chrX:32,595,855, G>A on the plus strand (C>T on the coding strand, the complement: DMD is on the minus strand). VCF-style: chrX-32595855-G-A. GRCh37 (hg19) VCF-style: chrX-32613972-G-A.
Other names: c.1480C>T, p.Gln494Ter (NM_000109.4); c.1492C>T, p.Gln498Ter (NM_004009.3); c.1135C>T, p.Gln379Ter (NM_004010.3); short protein forms Q502*, Q379*, Q494*, Q498*.
Identifiers: ClinVar variation 239599 (VCV000239599.12), dbSNP rs878854618, ClinGen allele CA10583948.

ClinVar aggregate classification (germline): Pathogenic (1 of 4 stars; one submission).

Conditions:
Duchenne muscular dystrophy (DMD). Also called: Duchenne Muscular Dystrophy (DMD); MUSCULAR DYSTROPHY, PSEUDOHYPERTROPHIC PROGRESSIVE, DUCHENNE TYPE. Identifiers: Orphanet 98896, MedGen C0013264, MONDO:0010679, OMIM 310200.

Submission:

Labcorp Genetics (formerly Invitae), Labcorp
Classification: Pathogenic for Duchenne muscular dystrophy. Last evaluated: 2022-12-25. Review status: criteria provided, single submitter. Criteria: Invitae Variant Classification Sherloc (09022015). Collection method: clinical testing. Allele origin: germline.
Comment: For these reasons, this variant has been classified as Pathogenic. ClinVar contains an entry for this variant (Variation ID: 239599). This premature translational stop signal has been observed in individual(s) with Duchenne muscular dystrophy (PMID: 28859693). This variant is not present in population databases (gnomAD no frequency). This sequence change creates a premature translational stop signal (p.Gln502*) in the DMD gene. It is expected to result in an absent or disrupted protein product. Loss-of-function variants in DMD are known to be pathogenic (PMID: 16770791, 25007885).

Literature cited by the submitters: PubMed 28859693; PubMed 16770791; PubMed 25007885.